The following is an entry in ClinVar:

NM_000257.4(MYH7):c.4106C>G (p.Ala1369Gly)

Gene: MYH7 (myosin heavy chain 7; minus strand). Cytogenetic location: 14q11.2.
Variant type: single nucleotide variant.
Coding change: c.4106C>G on transcript NM_000257.4 (MANE Select); coding-DNA position 4106, C replaced by G.
Protein change: p.Ala1369Gly; replaces alanine 1369 with glycine.
Molecular consequence: missense variant.
Genome position (GRCh38, 1-based): chr14:23,418,273, G>C on the plus strand (C>G on the coding strand, the complement: MYH7 is on the minus strand). VCF-style: chr14-23418273-G-C. GRCh37 (hg19) VCF-style: chr14-23887482-G-C.
Other names: short protein forms A1369G.
Identifiers: ClinVar variation 915794 (VCV000915794.6), dbSNP rs1595076182, ClinGen allele CA389040916.

ClinVar aggregate classification (germline): Uncertain significance. Review status: criteria provided, multiple submitters, no conflicts (2 of 4 stars). 2 submissions from 2 submitters: Uncertain significance (2). Last evaluated 2024-03-13.

Conditions:
Cardiomyopathy (CMYO). Also called: Cardiomyopathies. Identifiers: Orphanet 167848, MedGen C0878544, MONDO:0004994, HP:0001638. Inheritance: Various modes of inheritance.
Hypertrophic cardiomyopathy. Also called: HYPERTROPHIC MYOCARDIOPATHY. Identifiers: Orphanet 217569, MedGen C0007194, MeSH D002312, MONDO:0005045, HP:0001639.

Allele frequency attached by ClinVar (database versions not stated): gnomAD exomes below 0.00001.
gnomAD v4.1: 2 of 1,613,624 alleles (0.00012%); highest among the groups gnomAD compares: Non-Finnish European, 0.00017%; no homozygotes.

Submissions (2):

Labcorp Genetics (formerly Invitae), Labcorp
Classification: Uncertain significance for Hypertrophic cardiomyopathy. Last evaluated: 2024-03-13. Review status: criteria provided, single submitter. Criteria: Invitae Variant Classification Sherloc (09022015). Collection method: clinical testing. Allele origin: germline.
Comment: This sequence change replaces alanine, which is neutral and non-polar, with glycine, which is neutral and non-polar, at codon 1369 of the MYH7 protein (p.Ala1369Gly). This variant is not present in population databases (gnomAD no frequency). This variant has not been reported in the literature in individuals affected with MYH7-related conditions. ClinVar contains an entry for this variant (Variation ID: 915794). Advanced modeling of protein sequence and biophysical properties (such as structural, functional, and spatial information, amino acid conservation, physicochemical variation, residue mobility, and thermodynamic stability) performed at Invitae indicates that this missense variant is expected to disrupt MYH7 protein function with a positive predictive value of 95%. In summary, the available evidence is currently insufficient to determine the role of this variant in disease. Therefore, it has been classified as a Variant of Uncertain Significance.

CHEO Genetics Diagnostic Laboratory, Children's Hospital of Eastern Ontario
Classification: Uncertain significance for Cardiomyopathy. Last evaluated: 2018-06-05. Review status: criteria provided, single submitter. Criteria: ACMG Guidelines, 2015. Collection method: clinical testing. Allele origin: germline.